The following is an entry in ClinVar:

ClinVar aggregate classification (germline): Likely benign (0 of 4 stars; one submission).

Conditions:
EP300-related disorder. Also called: EP300-related disorders; EP300-related condition.

gnomAD v4.1: 8 of 1,613,964 alleles (0.0005%); highest among the groups gnomAD compares: African/African-American, 0.008%; no homozygotes.

Submission:

PreventionGenetics, part of Exact Sciences
Classification: Likely benign for EP300-related condition. Last evaluated: 2024-03-14. Review status: no assertion criteria provided. Collection method: clinical testing. Allele origin: germline.
Comment: This variant is classified as likely benign based on ACMG/AMP sequence variant interpretation guidelines (Richards et al. 2015 PMID: 25741868, with internal and published modifications).

NM_001429.4(EP300):c.6813C>T (p.Ser2271=)

Gene: EP300 (E1A binding protein p300; plus strand). Cytogenetic location: 22q13.2.
Variant type: single nucleotide variant.
Coding change: c.6813C>T on transcript NM_001429.4 (MANE Select); coding-DNA position 6813, C replaced by T.
Protein change: p.Ser2271=; no amino-acid change (serine 2271 retained).
Molecular consequence: synonymous variant.
Genome position (GRCh38, 1-based): chr22:41,178,524, C>T. VCF-style: chr22-41178524-C-T. GRCh37 (hg19) VCF-style: chr22-41574528-C-T.
Other names: c.6735C>T, p.Ser2245= (NM_001362843.2).
Identifiers: ClinVar variation 3357894 (VCV003357894.1).
Genomic context (GRCh38, chr22:41,178,524, plus strand): 5'-AGAGGCAGGTGCCAGTCTACAGGCCTATCAGCAGCGACTCCTTCAGCAACAGATGGGGTC[C>T]CCTGTTCAGCCCAACCCCATGAGCCCCCAGCAGCATATGCTCCCAAATCAGGCCCAGTCC-3'
Protein context (NP_001420.2, residues 2261-2281): QQRLLQQQMG[Ser2271=]PVQPNPMSPQ